The following is an entry in ClinVar:

ClinVar aggregate classification (germline): Uncertain significance (1 of 4 stars; one submission).

Allele frequency attached by ClinVar (database versions not stated): ExAC 0.00001; gnomAD 0.00001; gnomAD exomes 0.00001.
gnomAD v4.1: 4 of 1,613,966 alleles (0.00025%); highest among the groups gnomAD compares: Admixed American, 0.0067%; no homozygotes.

Submission:

Labcorp Genetics (formerly Invitae), Labcorp
Classification: Uncertain significance. Last evaluated: 2021-11-18. Review status: criteria provided, single submitter. Criteria: Invitae Variant Classification Sherloc (09022015). Collection method: clinical testing. Allele origin: germline.
Comment: This variant has not been reported in the literature in individuals affected with ERCC6-related conditions. This variant is present in population databases (rs748403975, gnomAD 0.009%). This sequence change replaces leucine, which is neutral and non-polar, with proline, which is neutral and non-polar, at codon 137 of the ERCC6 protein (p.Leu137Pro). In summary, the available evidence is currently insufficient to determine the role of this variant in disease. Therefore, it has been classified as a Variant of Uncertain Significance. Algorithms developed to predict the effect of missense changes on protein structure and function (SIFT, PolyPhen-2, Align-GVGD) all suggest that this variant is likely to be disruptive.

NM_000124.4(ERCC6):c.410T>C (p.Leu137Pro)

Gene: ERCC6 (ERCC excision repair 6, chromatin remodeling factor; minus strand). Cytogenetic location: 10q11.23.
Variant type: single nucleotide variant.
Coding change: c.410T>C on transcript NM_000124.4 (MANE Select); coding-DNA position 410, T replaced by C.
Protein change: p.Leu137Pro; replaces leucine 137 with proline.
Molecular consequence: missense variant.
Genome position (GRCh38, 1-based): chr10:49,532,555, A>G on the plus strand (T>C on the coding strand, the complement: ERCC6 is on the minus strand). VCF-style: chr10-49532555-A-G. GRCh37 (hg19) VCF-style: chr10-50740601-A-G.
Other names: c.410T>C, p.Leu137Pro (NM_001277058.2, NM_001277059.2, NM_001346440.2); short protein forms L137P.
Identifiers: ClinVar variation 1437681 (VCV001437681.4), dbSNP rs748403975, ClinGen allele CA5496554.